The following is an entry in ClinVar:

ClinVar aggregate classification (germline): Uncertain significance (1 of 4 stars; one submission).

Conditions:
Singleton-Merten syndrome 1 (SGMRT1). Also called: Widened medullary cavities of bone, aortic calcification, abnormal dentition, and muscular weakness; Syndrome of widened medullary cavities of the metacarpals and phalanges, aortic calcification and abnormal dentition. Identifiers: Orphanet 85191, MedGen C4225427, MONDO:0024535, OMIM 182250.
Aicardi-Goutieres syndrome 7 (AGS7). Identifiers: Orphanet 51, MedGen C3888244, MONDO:0014367, OMIM 615846.

Submission:

Labcorp Genetics (formerly Invitae), Labcorp
Classification: Uncertain significance for Aicardi-Goutieres syndrome 7; Singleton-Merten syndrome 1. Last evaluated: 2022-05-12. Review status: criteria provided, single submitter. Criteria: Invitae Variant Classification Sherloc (09022015). Collection method: clinical testing. Allele origin: germline.
Comment: In summary, the available evidence is currently insufficient to determine the role of this variant in disease. Therefore, it has been classified as a Variant of Uncertain Significance. Algorithms developed to predict the effect of sequence changes on RNA splicing suggest that this variant may disrupt the consensus splice site. Algorithms developed to predict the effect of missense changes on protein structure and function are either unavailable or do not agree on the potential impact of this missense change (SIFT: "Deleterious"; PolyPhen-2: "Probably Damaging"; Align-GVGD: "Class C15"). This variant has not been reported in the literature in individuals affected with IFIH1-related conditions. This variant is not present in population databases (gnomAD no frequency). This sequence change replaces glycine, which is neutral and non-polar, with arginine, which is basic and polar, at codon 357 of the IFIH1 protein (p.Gly357Arg).

NM_022168.4(IFIH1):c.1069G>A (p.Gly357Arg)

Gene: IFIH1 (interferon induced with helicase C domain 1; minus strand). Cytogenetic location: 2q24.2.
Variant type: single nucleotide variant.
Coding change: c.1069G>A on transcript NM_022168.4 (MANE Select); coding-DNA position 1069, G replaced by A.
Protein change: p.Gly357Arg; replaces glycine 357 with arginine.
Molecular consequence: missense variant.
Genome position (GRCh38, 1-based): chr2:162,288,161, C>T on the plus strand (G>A on the coding strand, the complement: IFIH1 is on the minus strand). VCF-style: chr2-162288161-C-T. GRCh37 (hg19) VCF-style: chr2-163144671-C-T.
Other names: short protein forms G357R.
Identifiers: ClinVar variation 2107448 (VCV002107448.4), dbSNP rs768448518, ClinGen allele CA349004575.